The following is an entry in ClinVar:

ClinVar aggregate classification (germline): Uncertain significance (1 of 4 stars; one submission).

Conditions:
Adenylosuccinate lyase deficiency (ADSLD). Also called: ADSL DEFICIENCY. Identifiers: Orphanet 46, MedGen C0268126, MONDO:0007068, OMIM 103050.

Submission:

Labcorp Genetics (formerly Invitae), Labcorp
Classification: Uncertain significance for Adenylosuccinate lyase deficiency. Last evaluated: 2022-06-27. Review status: criteria provided, single submitter. Criteria: Invitae Variant Classification Sherloc (09022015). Collection method: clinical testing. Allele origin: germline.
Comment: This variant occurs in a non-coding region of the ADSL gene. It does not change the encoded amino acid sequence of the ADSL protein. This variant is not present in population databases (gnomAD no frequency). This variant has not been reported in the literature in individuals affected with ADSL-related conditions. Experimental studies and prediction algorithms are not available or were not evaluated, and the functional significance of this variant is currently unknown. In summary, the available evidence is currently insufficient to determine the role of this variant in disease. Therefore, it has been classified as a Variant of Uncertain Significance.

NC_000022.11:g.40345472C>T

Gene: ADSL (adenylosuccinate lyase; plus strand). Cytogenetic location: 22q13.1.
Variant type: single nucleotide variant.
Genome position: GRCh38 VCF-style: chr22-40345472-C-T. GRCh37 (hg19) VCF-style: chr22-40741476-C-T.
Identifiers: ClinVar variation 1376487 (VCV001376487.6), dbSNP rs1437272102, ClinGen allele CA2573158325.